The following is an entry in ClinVar:

ClinVar aggregate classification (germline): Benign/Likely benign. Review status: criteria provided, multiple submitters, no conflicts (2 of 4 stars). 6 submissions from 6 submitters: Benign (1); Likely benign (5). Last evaluated 2025-10-27.

Conditions:
Hypertrophic cardiomyopathy 26. Also called: Cardiomyopathy, familial hypertrophic, 26. Identifiers: Orphanet 75249, MedGen C4310749, MONDO:0014883, OMIM 617047.
Distal myopathy with posterior leg and anterior hand involvement. Also called: WILLIAMS DISTAL MYOPATHY. Identifiers: Orphanet 63273, MedGen C3279722, MONDO:0013550, OMIM 614065.
Myofibrillar myopathy 5. Also called: Filaminopathy (type); FILAMINOPATHY, AUTOSOMAL DOMINANT. Identifiers: Orphanet 171445, MedGen C1836050, MONDO:0012289, OMIM 609524.
FLNC-related disorder. Also called: FLNC-related condition; FLNC-related disorders.
Cardiovascular phenotype. Identifiers: MedGen CN230736.

Allele frequency attached by ClinVar (database versions not stated): gnomAD exomes 0.00003 and 0.00009; TOPMed 0.00012; gnomAD 0.00013 and 0.00014; ExAC 0.00016; ESP Exome Variant Server 0.00033.
gnomAD v4.1: 62 of 1,548,870 alleles (0.004%); highest among the groups gnomAD compares: African/African-American, 0.027%; no homozygotes.

Submissions (6):

Labcorp Genetics (formerly Invitae), Labcorp
Classification: Likely benign for Distal myopathy with posterior leg and anterior hand involvement; Myofibrillar myopathy 5; Hypertrophic cardiomyopathy 26. Last evaluated: 2025-10-27. Review status: criteria provided, single submitter. Criteria: Invitae Variant Classification Sherloc (09022015). Collection method: clinical testing. Allele origin: germline.

PreventionGenetics, part of Exact Sciences
Classification: Likely benign for FLNC-related condition. Last evaluated: 2025-09-29. Review status: criteria provided, single submitter. Criteria: ACMG Guidelines, 2015. Collection method: clinical testing. Allele origin: germline.
Comment: This variant is classified as likely benign based on ACMG/AMP sequence variant interpretation guidelines (Richards et al. 2015 PMID: 25741868, with internal and published modifications).

Women's Health and Genetics/Laboratory Corporation of America, LabCorp
Classification: Benign. Last evaluated: 2025-07-11. Review status: criteria provided, single submitter. Criteria: LabCorp Variant Classification Summary - May 2015. Collection method: clinical testing. Allele origin: germline.

Blueprint Genetics
Classification: Likely benign. Last evaluated: 2024-08-05. Review status: criteria provided, single submitter. Criteria: ACMG Guidelines, 2015. Collection method: clinical testing. Allele origin: germline.

GeneDx
Classification: Likely benign. Last evaluated: 2020-12-14. Review status: criteria provided, single submitter. Criteria: GeneDx Variant Classification Process June 2021. Collection method: clinical testing. Allele origin: germline. Affected: yes.

Ambry Genetics
Classification: Likely benign for Cardiovascular phenotype. Last evaluated: 2020-01-16. Review status: criteria provided, single submitter. Criteria: Ambry Variant Classification Scheme 2023. Collection method: clinical testing. Allele origin: germline.

NM_001458.5(FLNC):c.2266-5C>T

Gene: FLNC (filamin C; plus strand). Cytogenetic location: 7q32.1.
Variant type: single nucleotide variant.
Coding change: c.2266-5C>T on transcript NM_001458.5 (MANE Select); 5 bases into the intron before coding-DNA position 2266, C replaced by T.
Molecular consequence: intron variant.
Genome position (GRCh38, 1-based): chr7:128,842,570, C>T. VCF-style: chr7-128842570-C-T. GRCh37 (hg19) VCF-style: chr7-128482624-C-T.
Other names: c.2266-5C>T (NM_001127487.2).
Identifiers: ClinVar variation 740695 (VCV000740695.19), dbSNP rs371960827, ClinGen allele CA4474673.